The following is an entry in ClinVar:

ClinVar aggregate classification (germline): Likely benign (1 of 4 stars; one submission).

Conditions:
MAG-related disorder. Also called: MAG-related condition.

gnomAD v4.1: 5 of 1,598,604 alleles (0.00031%); highest among the groups gnomAD compares: African/African-American, 0.0013%; no homozygotes.

Submission:

PreventionGenetics, part of Exact Sciences
Classification: Likely benign for MAG-related condition. Last evaluated: 2025-06-20. Review status: criteria provided, single submitter. Criteria: ACMG Guidelines, 2015. Collection method: clinical testing. Allele origin: germline.
Comment: This variant is classified as likely benign based on ACMG/AMP sequence variant interpretation guidelines (Richards et al. 2015 PMID: 25741868, with internal and published modifications).

NM_002361.4(MAG):c.903C>T (p.Gly301=)

Gene: MAG (myelin associated glycoprotein; plus strand). Cytogenetic location: 19q13.12.
Variant type: single nucleotide variant.
Coding change: c.903C>T on transcript NM_002361.4 (MANE Select); coding-DNA position 903, C replaced by T.
Protein change: p.Gly301=; no amino-acid change (glycine 301 retained).
Molecular consequence: synonymous variant.
Genome position (GRCh38, 1-based): chr19:35,300,337, C>T. VCF-style: chr19-35300337-C-T. GRCh37 (hg19) VCF-style: chr19-35791240-C-T.
Other names: c.828C>T, p.Gly276= (NM_001199216.2); c.903C>T, p.Gly301= (NM_080600.3).
Identifiers: ClinVar variation 4985544 (VCV004985544.1).